The following is an entry in ClinVar:

ClinVar aggregate classification (germline): Uncertain significance. Review status: criteria provided, multiple submitters, no conflicts (2 of 4 stars). 2 submissions from 2 submitters: Uncertain significance (2). Last evaluated 2025-04-04.

Conditions:
DNA2-related disorder. Also called: DNA2-related condition.

Allele frequency attached by ClinVar (database versions not stated): ExAC 0.00001; TOPMed 0.00001; gnomAD 0.00002; gnomAD exomes 0.00002; 1000 Genomes Project 0.00020; 1000 Genomes Project 30x 0.00031.
gnomAD v4.1: 37 of 1,611,798 alleles (0.0023%); highest among the groups gnomAD compares: Non-Finnish European, 0.0031%; no homozygotes.

Submissions (2):

PreventionGenetics, part of Exact Sciences
Classification: Uncertain significance for DNA2-related condition. Last evaluated: 2025-04-04. Review status: criteria provided, single submitter. Criteria: ACMG Guidelines, 2015. Collection method: clinical testing. Allele origin: germline.
Comment: The DNA2 c.2111A>C variant is predicted to result in the amino acid substitution p.Lys704Thr. To our knowledge, this variant has not been reported in the literature. This variant is reported in 0.0027% of alleles in individuals of European (Non-Finnish) descent in gnomAD. At this time, the clinical significance of this variant is uncertain due to the absence of conclusive functional and genetic evidence.

Labcorp Genetics (formerly Invitae), Labcorp
Classification: Uncertain significance. Last evaluated: 2025-03-20. Review status: criteria provided, single submitter. Criteria: Invitae Variant Classification Sherloc (09022015). Collection method: clinical testing. Allele origin: germline.
Comment: This sequence change replaces lysine, which is basic and polar, with threonine, which is neutral and polar, at codon 704 of the DNA2 protein (p.Lys704Thr). This variant is present in population databases (rs202186844, gnomAD 0.002%). This variant has not been reported in the literature in individuals affected with DNA2-related conditions. ClinVar contains an entry for this variant (Variation ID: 2056936). Invitae Evidence Modeling of protein sequence and biophysical properties (such as structural, functional, and spatial information, amino acid conservation, physicochemical variation, residue mobility, and thermodynamic stability) indicates that this missense variant is expected to disrupt DNA2 protein function with a positive predictive value of 80%. In summary, the available evidence is currently insufficient to determine the role of this variant in disease. Therefore, it has been classified as a Variant of Uncertain Significance.

NM_001080449.3(DNA2):c.2111A>C (p.Lys704Thr)

Gene: DNA2 (DNA replication helicase/nuclease 2; minus strand). Cytogenetic location: 10q21.3.
Variant type: single nucleotide variant.
Coding change: c.2111A>C on transcript NM_001080449.3 (MANE Select); coding-DNA position 2111, A replaced by C.
Protein change: p.Lys704Thr; replaces lysine 704 with threonine.
Molecular consequence: missense variant. On other transcripts: non-coding transcript variant (1).
Genome position (GRCh38, 1-based): chr10:68,430,533, T>G on the plus strand (A>C on the coding strand, the complement: DNA2 is on the minus strand). VCF-style: chr10-68430533-T-G. GRCh37 (hg19) VCF-style: chr10-70190290-T-G.
Other names: c.2111A>C (NM_001080449.2); short protein forms K704T.
Identifiers: ClinVar variation 2056936 (VCV002056936.5), dbSNP rs202186844, ClinGen allele CA5524895.
Genomic context (GRCh38, chr10:68,430,533, plus strand): 5'-TTAATGGACTTTGATCTGCAAATTTCTTGCTCTGTAAATTGCTGGATAGCTGGATGAACC[T>G]TCTGAATCTGACCCAAACGCAAAAATCCTATTTTAAACTTGGCTAACTTCAAAAGAATAT-3'
Protein context (NP_001073918.2, residues 694-714): IGFLRLGQIQ[Lys704Thr]VHPAIQQFTE